The following is an entry in ClinVar:

ClinVar aggregate classification (germline): Uncertain significance (1 of 4 stars; one submission).

Conditions:
Alstrom syndrome (ALMS). Identifiers: Orphanet 64, MedGen C0268425, MONDO:0008763, OMIM 203800.

Allele frequency attached by ClinVar (database versions not stated): gnomAD exomes 0.00001; TOPMed 0.00002.
gnomAD v4.1: 15 of 1,614,008 alleles (0.00093%); highest among the groups gnomAD compares: Non-Finnish European, 0.0011%; no homozygotes.

Submission:

Labcorp Genetics (formerly Invitae), Labcorp
Classification: Uncertain significance for Alstrom syndrome. Last evaluated: 2023-12-11. Review status: criteria provided, single submitter. Criteria: Invitae Variant Classification Sherloc (09022015). Collection method: clinical testing. Allele origin: germline.
Comment: This sequence change replaces aspartic acid, which is acidic and polar, with histidine, which is basic and polar, at codon 3737 of the ALMS1 protein (p.Asp3737His). This variant is present in population databases (no rsID available, gnomAD 0.003%). This variant has not been reported in the literature in individuals affected with ALMS1-related conditions. ClinVar contains an entry for this variant (Variation ID: 1899399). Experimental studies and prediction algorithms are not available or were not evaluated, and the functional significance of this variant is currently unknown. In summary, the available evidence is currently insufficient to determine the role of this variant in disease. Therefore, it has been classified as a Variant of Uncertain Significance.

NM_001378454.1(ALMS1):c.11206G>C (p.Asp3736His)

Gene: ALMS1 (ALMS1 centrosome and basal body associated protein; plus strand). Cytogenetic location: 2p13.1.
Variant type: single nucleotide variant.
Coding change: c.11206G>C on transcript NM_001378454.1 (MANE Select); coding-DNA position 11206, G replaced by C.
Protein change: p.Asp3736His; replaces aspartic acid 3736 with histidine.
Molecular consequence: missense variant.
Genome position (GRCh38, 1-based): chr2:73,573,083, G>C. VCF-style: chr2-73573083-G-C. GRCh37 (hg19) VCF-style: chr2-73800210-G-C.
Other names: c.11209G>C, p.Asp3737His (NM_015120.4); short protein forms D3736H, D3737H.
Identifiers: ClinVar variation 1899399 (VCV001899399.3), dbSNP rs927100979, ClinGen allele CA50386854.